The following is an entry in ClinVar:

ClinVar aggregate classification (germline): Uncertain significance (1 of 4 stars; one submission).

Submission:

Center for Genomic Medicine, Rigshospitalet, Copenhagen University Hospital
Classification: Uncertain significance. Last evaluated: 2025-12-29. Review status: criteria provided, single submitter. Criteria: ACMG Guidelines, 2015. Collection method: clinical testing. Allele origin: germline.
Comment: Classification criteria: PM2_Supporting, PP3, PP4

Literature cited by the submitters: PubMed 20301765; PubMed 27913546.

NM_000552.5(VWF):c.4877T>A (p.Val1626Glu)

Gene: VWF (von Willebrand factor; minus strand). Cytogenetic location: 12p13.31.
Variant type: single nucleotide variant.
Coding change: c.4877T>A on transcript NM_000552.5 (MANE Select); coding-DNA position 4877, T replaced by A.
Protein change: p.Val1626Glu; replaces valine 1626 with glutamic acid.
Molecular consequence: missense variant.
Genome position (GRCh38, 1-based): chr12:6,018,541, A>T on the plus strand (T>A on the coding strand, the complement: VWF is on the minus strand). VCF-style: chr12-6018541-A-T. GRCh37 (hg19) VCF-style: chr12-6127707-A-T.
Other names: short protein forms V1626E.
Identifiers: ClinVar variation 4539313 (VCV004539313.1).
Genomic context (GRCh38, chr12:6,018,541, plus strand): 5'-TTGGGCCAGCCAATCCTCTCCAGCTCCTGCACGTTGGCATTAGGGCCCACTCCAATGGGC[A>T]CCACCTGGATGTCTCCAGGCAGCCTCTTGATCTCATCAGAGGCAGGATTTCCGGTGACCA-3'
Protein context (NP_000543.3, residues 1616-1636): IKRLPGDIQV[Val1626Glu]PIGVGPNANV